The following is an entry in ClinVar:

ClinVar aggregate classification (germline): Uncertain significance. Review status: criteria provided, multiple submitters, no conflicts (2 of 4 stars). 2 submissions from 2 submitters: Uncertain significance (2). Last evaluated 2023-09-25.

Allele frequency attached by ClinVar (database versions not stated): TOPMed 0.00001; gnomAD 0.00003.
gnomAD v4.1: 9 of 1,613,952 alleles (0.00056%); highest among the groups gnomAD compares: Non-Finnish European, 0.00068%; no homozygotes.

Submissions (2):

GeneDx
Classification: Uncertain significance. Last evaluated: 2023-09-25. Review status: criteria provided, single submitter. Criteria: GeneDx Variant Classification Process June 2021. Collection method: clinical testing. Allele origin: germline. Affected: yes.
Comment: Not observed at significant frequency in large population cohorts (gnomAD); In silico analysis supports that this missense variant has a deleterious effect on protein structure/function; Has not been previously published as pathogenic or benign to our knowledge

Labcorp Genetics (formerly Invitae), Labcorp
Classification: Uncertain significance. Last evaluated: 2022-06-04. Review status: criteria provided, single submitter. Criteria: Invitae Variant Classification Sherloc (09022015). Collection method: clinical testing. Allele origin: germline.
Comment: This sequence change replaces arginine, which is basic and polar, with glycine, which is neutral and non-polar, at codon 170 of the CEP135 protein (p.Arg170Gly). This variant is present in population databases (no rsID available, gnomAD 0.0009%). This variant has not been reported in the literature in individuals affected with CEP135-related conditions. Algorithms developed to predict the effect of missense changes on protein structure and function are either unavailable or do not agree on the potential impact of this missense change (SIFT: "Tolerated"; PolyPhen-2: "Probably Damaging"; Align-GVGD: "Class C0"). Algorithms developed to predict the effect of sequence changes on RNA splicing suggest that this variant may create or strengthen a splice site. In summary, the available evidence is currently insufficient to determine the role of this variant in disease. Therefore, it has been classified as a Variant of Uncertain Significance.

NM_025009.5(CEP135):c.508C>G (p.Arg170Gly)

Gene: CEP135 (centrosomal protein 135; plus strand). Cytogenetic location: 4q12.
Variant type: single nucleotide variant.
Coding change: c.508C>G on transcript NM_025009.5 (MANE Select); coding-DNA position 508, C replaced by G.
Protein change: p.Arg170Gly; replaces arginine 170 with glycine.
Molecular consequence: missense variant.
Genome position (GRCh38, 1-based): chr4:55,957,258, C>G. VCF-style: chr4-55957258-C-G. GRCh37 (hg19) VCF-style: chr4-56823424-C-G.
Other names: c.508C>G (NM_025009.4); short protein forms R170G.
Identifiers: ClinVar variation 2034737 (VCV002034737.2), dbSNP rs971759733, ClinGen allele CA356970107.